The following is an entry in ClinVar:

NM_002332.3(LRP1):c.7494G>A (p.Gln2498=)

Gene: LRP1 (LDL receptor related protein 1; plus strand). Cytogenetic location: 12q13.3.
Variant type: single nucleotide variant.
Coding change: c.7494G>A on transcript NM_002332.3 (MANE Select); coding-DNA position 7494, G replaced by A.
Protein change: p.Gln2498=; no amino-acid change (glutamine 2498 retained).
Molecular consequence: synonymous variant.
Genome position (GRCh38, 1-based): chr12:57,192,909, G>A. VCF-style: chr12-57192909-G-A. GRCh37 (hg19) VCF-style: chr12-57586692-G-A.
Identifiers: ClinVar variation 3352539 (VCV003352539.1).

ClinVar aggregate classification (germline): Likely benign (0 of 4 stars; one submission).

Conditions:
LRP1-related disorder. Also called: LRP1-related condition.

gnomAD v4.1: 127 of 1,613,978 alleles (0.0079%); highest among the groups gnomAD compares: Non-Finnish European, 0.0096%; no homozygotes.

Submission:

PreventionGenetics, part of Exact Sciences
Classification: Likely benign for LRP1-related condition. Last evaluated: 2024-09-26. Review status: no assertion criteria provided. Collection method: clinical testing. Allele origin: germline.
Comment: This variant is classified as likely benign based on ACMG/AMP sequence variant interpretation guidelines (Richards et al. 2015 PMID: 25741868, with internal and published modifications).